The following is an entry in ClinVar:

NM_000541.5(SAG):c.732C>T (p.Phe244=)

Gene: SAG (S-antigen visual arrestin; plus strand). Cytogenetic location: 2q37.1.
Variant type: single nucleotide variant.
Coding change: c.732C>T on transcript NM_000541.5 (MANE Select); coding-DNA position 732, C replaced by T.
Protein change: p.Phe244=; no amino-acid change (phenylalanine 244 retained).
Molecular consequence: synonymous variant.
Genome position (GRCh38, 1-based): chr2:233,329,576, C>T. VCF-style: chr2-233329576-C-T. GRCh37 (hg19) VCF-style: chr2-234238222-C-T.
Other names: c.732C>T (NM_000541.4).
Identifiers: ClinVar variation 1491772 (VCV001491772.11), dbSNP rs377600235, ClinGen allele CA2174500.

ClinVar aggregate classification (germline): Uncertain significance. Review status: criteria provided, multiple submitters, no conflicts (2 of 4 stars). 3 submissions from 3 submitters: Uncertain significance (2). 1 of the submissions does not count toward it. Last evaluated 2023-05-31.

Conditions:
SAG-related disorder. Also called: SAG-related condition; SAG-related disorders.

Submissions (3):

Blueprint Genetics
Classification: Uncertain significance. Last evaluated: 2023-05-31. Review status: criteria provided, single submitter. Criteria: ACMG Guidelines, 2015. Collection method: clinical testing. Allele origin: germline.

Labcorp Genetics (formerly Invitae), Labcorp
Classification: Uncertain significance. Last evaluated: 2021-06-12. Review status: criteria provided, single submitter. Criteria: Invitae Variant Classification Sherloc (09022015). Collection method: clinical testing. Allele origin: germline.
Comment: This variant has not been reported in the literature in individuals with SAG-related conditions. Algorithms developed to predict the effect of sequence changes on RNA splicing suggest that this variant may disrupt the consensus splice site, but this prediction has not been confirmed by published transcriptional studies. In summary, the available evidence is currently insufficient to determine the role of this variant in disease. Therefore, it has been classified as a Variant of Uncertain Significance. This variant is present in population databases (rs377600235, ExAC 0.01%). This sequence change affects codon 244 of the SAG mRNA. It is a 'silent' change, meaning that it does not change the encoded amino acid sequence of the SAG protein.

PreventionGenetics, part of Exact Sciences
Classification: Likely benign for SAG-related condition. Last evaluated: 2021-05-04. Review status: no assertion criteria provided. Collection method: clinical testing. Allele origin: germline. Not counted in ClinVar's aggregate classification.
Comment: This variant is classified as likely benign based on ACMG/AMP sequence variant interpretation guidelines (Richards et al. 2015 PMID: 25741868, with internal and published modifications).